The following is an entry in ClinVar:

ClinVar aggregate classification (germline): Uncertain significance. Review status: criteria provided, multiple submitters, no conflicts (2 of 4 stars). 2 submissions from 2 submitters: Uncertain significance (2). Last evaluated 2025-01-27.

Conditions:
Inborn genetic diseases. Identifiers: MedGen C0950123, MeSH D030342.

Submissions (2):

Ambry Genetics
Classification: Uncertain significance for Inborn genetic diseases. Last evaluated: 2025-01-27. Review status: criteria provided, single submitter. Criteria: Ambry Variant Classification Scheme 2023. Collection method: clinical testing. Allele origin: germline.

GeneDx
Classification: Uncertain significance. Last evaluated: 2022-11-19. Review status: criteria provided, single submitter. Criteria: GeneDx Variant Classification Process June 2021. Collection method: clinical testing. Allele origin: germline. Affected: yes.
Comment: Not observed at significant frequency in large population cohorts (gnomAD); In silico analysis supports that this missense variant has a deleterious effect on protein structure/function; Has not been previously published as pathogenic or benign to our knowledge

NM_001323289.2(CDKL5):c.370C>T (p.His124Tyr)

Gene: CDKL5 (cyclin dependent kinase like 5; plus strand). Cytogenetic location: Xp22.13.
Variant type: single nucleotide variant.
Coding change: c.370C>T on transcript NM_001323289.2 (MANE Select); coding-DNA position 370, C replaced by T.
Protein change: p.His124Tyr; replaces histidine 124 with tyrosine.
Molecular consequence: missense variant.
Genome position (GRCh38, 1-based): chrX:18,579,935, C>T. VCF-style: chrX-18579935-C-T. GRCh37 (hg19) VCF-style: chrX-18598055-C-T.
Other names: c.370C>T, p.His124Tyr (NM_001037343.2, NM_003159.3); short protein forms H124Y.
Identifiers: ClinVar variation 1801209 (VCV001801209.2), dbSNP rs1336371214, ClinGen allele CA412350235.